The following is an entry in ClinVar:

ClinVar aggregate classification (germline): Uncertain significance. Review status: criteria provided, multiple submitters, no conflicts (2 of 4 stars). 2 submissions from 2 submitters: Uncertain significance (2). Last evaluated 2025-07-20.

Conditions:
Hypertrophic cardiomyopathy. Also called: HYPERTROPHIC MYOCARDIOPATHY. Identifiers: Orphanet 217569, MedGen C0007194, MeSH D002312, MONDO:0005045, HP:0001639.
Cardiomyopathy (CMYO). Also called: Cardiomyopathies. Identifiers: Orphanet 167848, MedGen C0878544, MONDO:0004994, HP:0001638. Inheritance: Various modes of inheritance.

Allele frequency attached by ClinVar (database versions not stated): gnomAD exomes below 0.00001.
gnomAD v4.1: 1 of 1,614,120 alleles (0.000062%); highest among the groups gnomAD compares: Non-Finnish European, 0.000085%; no homozygotes.

Submissions (2):

Color Diagnostics, LLC DBA Color Health
Classification: Uncertain significance for Cardiomyopathy. Last evaluated: 2025-07-20. Review status: criteria provided, single submitter. Criteria: ACMG Guidelines, 2015. Collection method: clinical testing. Allele origin: germline.
Comment: This missense variant replaces serine with asparagine at codon 271 of the TPM1 protein. Computational prediction suggests that this variant may not impact protein structure and function. To our knowledge, functional studies have not been reported for this variant. This variant has not been reported in individuals affected with TPM1-related disorders in the literature. This variant has been identified in 1/251282 chromosomes in the general population by the Genome Aggregation Database (gnomAD). The available evidence is insufficient to determine the role of this variant in disease conclusively. Therefore, this variant is classified as a Variant of Uncertain Significance.

All of Us Research Program, National Institutes of Health
Classification: Uncertain significance for Hypertrophic cardiomyopathy. Last evaluated: 2023-07-10. Review status: criteria provided, single submitter. Criteria: ACMG Guidelines, 2015. Collection method: clinical testing. Allele origin: germline. Inheritance: Autosomal dominant inheritance. Observed: 1 variant allele, 1 heterozygote.
Comment: This missense variant replaces serine with asparagine at codon 271 of the TPM1 protein. Computational prediction suggests that this variant may not impact protein structure and function (internally defined REVEL score threshold <= 0.5, PMID: 27666373). To our knowledge, functional studies have not been reported for this variant. This variant has not been reported in individuals affected with TPM1-related disorders in the literature. This variant has been identified in 1/251282 chromosomes in the general population by the Genome Aggregation Database (gnomAD). The available evidence is insufficient to determine the role of this variant in disease conclusively. Therefore, this variant is classified as a Variant of Uncertain Significance.

This study involves interpretation of variants in research participants for the purpose of population health screening. Participant phenotype was not available at the time of variant classification. Additional details can be found in publication PMID: 35346344, PMCID: PMC8962531

NM_001018005.2(TPM1):c.812G>A (p.Ser271Asn)

Gene: TPM1 (tropomyosin 1; plus strand). Cytogenetic location: 15q22.2.
Variant type: single nucleotide variant.
Coding change: c.812G>A on transcript NM_001018005.2 (MANE Select); coding-DNA position 812, G replaced by A.
Protein change: p.Ser271Asn; replaces serine 271 with asparagine.
Molecular consequence: missense variant. On other transcripts: intron variant (18), 3 prime UTR variant (3), non-coding transcript variant (7).
Genome position (GRCh38, 1-based): chr15:63,064,103, G>A. VCF-style: chr15-63064103-G-A. GRCh37 (hg19) VCF-style: chr15-63356302-G-A.
Other names: c.772+1458G>A (NM_001407327.1, NM_001365777.1, NM_001407336.1 and 8 more transcripts); c.664+1458G>A (NM_001330351.2, NM_001330344.2, NM_001018008.2 and 3 more transcripts); c.704G>A, p.Ser235Asn (NM_001365781.2, NM_001365782.1, NM_001330346.2 and 1 more transcripts); c.938G>A, p.Ser313Asn (NM_001407322.1, NM_001407323.1, NM_001407324.1); c.*1294G>A (NM_001407325.1, NM_001407340.1, NM_001407341.1); c.812G>A, p.Ser271Asn (NM_001407326.1, NM_001407329.1, NM_001407330.1 and 8 more transcripts); c.898+1458G>A (NM_001365778.1); short protein forms S235N, S271N, S313N.
Identifiers: ClinVar variation 3072370 (VCV003072370.2), dbSNP rs1278119163, ClinGen allele CA392725149.